The following is an entry in ClinVar:

NM_003070.5(SMARCA2):c.1156C>G (p.Leu386Val)

Gene: SMARCA2 (SWI/SNF related BAF chromatin remodeling complex subunit ATPase 2; plus strand). Cytogenetic location: 9p24.3.
Variant type: single nucleotide variant.
Coding change: c.1156C>G on transcript NM_003070.5 (MANE Select); coding-DNA position 1156, C replaced by G.
Protein change: p.Leu386Val; replaces leucine 386 with valine.
Molecular consequence: missense variant.
Genome position (GRCh38, 1-based): chr9:2,054,706, C>G. VCF-style: chr9-2054706-C-G. GRCh37 (hg19) VCF-style: chr9-2054706-C-G.
Other names: c.1156C>G, p.Leu386Val (NM_001289396.2, NM_001289397.2, NM_139045.4); short protein forms L386V.
Identifiers: ClinVar variation 2848850 (VCV002848850.3), dbSNP rs1372949469, ClinGen allele CA372781479.

ClinVar aggregate classification (germline): Uncertain significance (1 of 4 stars; one submission).

Submission:

Labcorp Genetics (formerly Invitae), Labcorp
Classification: Uncertain significance. Last evaluated: 2023-03-29. Review status: criteria provided, single submitter. Criteria: Invitae Variant Classification Sherloc (09022015). Collection method: clinical testing. Allele origin: germline.
Comment: This variant has not been reported in the literature in individuals affected with SMARCA2-related conditions. This variant is not present in population databases (gnomAD no frequency). This sequence change replaces leucine, which is neutral and non-polar, with valine, which is neutral and non-polar, at codon 386 of the SMARCA2 protein (p.Leu386Val). Advanced modeling of protein sequence and biophysical properties (such as structural, functional, and spatial information, amino acid conservation, physicochemical variation, residue mobility, and thermodynamic stability) performed at Invitae indicates that this missense variant is not expected to disrupt SMARCA2 protein function. Algorithms developed to predict the effect of sequence changes on RNA splicing suggest that this variant may create or strengthen a splice site. In summary, the available evidence is currently insufficient to determine the role of this variant in disease. Therefore, it has been classified as a Variant of Uncertain Significance.